The following is an entry in ClinVar:

ClinVar aggregate classification (germline): Uncertain significance (1 of 4 stars; one submission).

gnomAD v4.1: 1 of 1,612,598 alleles (0.000062%); highest among the groups gnomAD compares: South Asian, 0.0011%; no homozygotes.

Submission:

GeneDx
Classification: Uncertain significance. Last evaluated: 2025-03-17. Review status: criteria provided, single submitter. Criteria: GeneDx Variant Classification Process June 2021. Collection method: clinical testing. Allele origin: germline. Affected: yes.
Comment: Not observed at significant frequency in large population cohorts (gnomAD); In silico analysis supports that this missense variant has a deleterious effect on protein structure/function; Has not been previously published as pathogenic or benign to our knowledge

NM_000744.7(CHRNA4):c.1784C>T (p.Ala595Val)

Gene: CHRNA4 (cholinergic receptor nicotinic alpha 4 subunit; minus strand). Cytogenetic location: 20q13.33.
Variant type: single nucleotide variant.
Coding change: c.1784C>T on transcript NM_000744.7 (MANE Select); coding-DNA position 1784, C replaced by T.
Protein change: p.Ala595Val; replaces alanine 595 with valine.
Molecular consequence: missense variant. On other transcripts: non-coding transcript variant (1).
Genome position (GRCh38, 1-based): chr20:63,346,838, G>A on the plus strand (C>T on the coding strand, the complement: CHRNA4 is on the minus strand). VCF-style: chr20-63346838-G-A. GRCh37 (hg19) VCF-style: chr20-61978190-G-A.
Other names: c.1256C>T, p.Ala419Val (NM_001256573.2); short protein forms A419V, A595V.
Identifiers: ClinVar variation 4086735 (VCV004086735.1).
Genomic context (GRCh38, chr20:63,346,838, plus strand): 5'-ACCGTCCCCAGCAGGCAGACGATGATGAACATCCAGAGGAAGATGCGGTCGATGACCATG[G>A]CCACGTACTTCCAGTCCTCCTTCACCTGCAAGCACAGACGCCGTCACTCCAGCACGGCCC-3'
Protein context (NP_000735.1, residues 585-605): FSVKEDWKYV[Ala595Val]MVIDRIFLWM